The following is an entry in ClinVar:

NM_001111125.3(IQSEC2):c.1825C>T (p.Arg609Cys)

Gene: IQSEC2 (IQ motif and Sec7 domain ArfGEF 2; minus strand). Cytogenetic location: Xp11.22.
Variant type: single nucleotide variant.
Coding change: c.1825C>T on transcript NM_001111125.3 (MANE Select); coding-DNA position 1825, C replaced by T.
Protein change: p.Arg609Cys; replaces arginine 609 with cysteine.
Molecular consequence: missense variant.
Genome position (GRCh38, 1-based): chrX:53,250,751, G>A on the plus strand (C>T on the coding strand, the complement: IQSEC2 is on the minus strand). VCF-style: chrX-53250751-G-A. GRCh37 (hg19) VCF-style: chrX-53279933-G-A.
Other names: c.1210C>T, p.Arg404Cys (NM_015075.2); short protein forms R609C, R404C.
Identifiers: ClinVar variation 426667 (VCV000426667.3), dbSNP rs1085307736, ClinGen allele CA413163358.
Genomic context (GRCh38, chrX:53,250,751, plus strand): 5'-GGGGGCTGCAGCCATCAGCCTCATACACCAGCTGGCGGTGGACAGAGCCGCGATCTGAGC[G>A]GTCACTCAGGTCCACGGAGCTGTCACTAGGAGGCTCAATGGTAAGCAGGGGAAGGTGGGC-3'
Protein context (NP_001104595.1, residues 599-619): PSDSSVDLSD[Arg609Cys]SDRGSVHRQL

ClinVar aggregate classification (germline): Conflicting classifications of pathogenicity. Review status: criteria provided, conflicting classifications (1 of 4 stars). 2 submissions from 2 submitters: Likely pathogenic (1); Uncertain significance (1). Last evaluated 2022-01-03.

Conditions:
Intellectual developmental disorder, X-linked 1. Also called: Intellectual disability, X-linked 1; Atkin Flaitz Patil Smith syndrome; MENTAL RETARDATION, X-LINKED 18; MENTAL RETARDATION, X-LINKED 78. Identifiers: Orphanet 777, MedGen C2931498, MONDO:0010656, OMIM 309530.

Allele frequency attached by ClinVar (database versions not stated): gnomAD exomes below 0.00001.
gnomAD v4.1: 1 of 1,210,781 alleles (0.000083%); highest among the groups gnomAD compares: Non-Finnish European, 0.00011%; no homozygotes.

Submissions (2):

3billion
Classification: Uncertain significance for Intellectual developmental disorder, X-linked 1. Last evaluated: 2022-01-03. Review status: criteria provided, single submitter. Criteria: ACMG Guidelines, 2015. Collection method: clinical testing. Allele origin: germline. Affected: yes. Observed: 1 hemizygote.
Comment: Same nucleotide change resulting in same amino acid change has been previously reported to be associated with IQSEC2 related disorder (ClinVar ID: VCV000426667, PS1_P). It is not observed in the gnomAD v2.1.1 dataset (PM2_M). In silico tool predictions suggest no damaging effect of the variant on gene or gene product (REVEL:0.279<=0.4, 3CNET:0.099<=0.25, BP4_P). Therefore, this variant is classified as uncertain significance according to the recommendation of ACMG/AMP guideline.

GeneDx
Classification: Likely pathogenic. Last evaluated: 2017-04-07. Review status: criteria provided, single submitter. Criteria: GeneDx Variant Classification (06012015). Collection method: clinical testing. Allele origin: germline. Affected: yes.
Comment: The R609C variant in the IQSEC2 gene has not been reported previously as a pathogenic variant, nor as a benign variant, to our knowledge. The R609C variant is not observed in large population cohorts (Lek et al., 2016; 1000 Genomes Consortium et al., 2015; Exome Variant Server). The R609C variant is a non-conservative amino acid substitution, which is likely to impact secondary protein structure as these residues differ in polarity, charge, size and/or other properties. This substitution occurs at a position that is conserved across species. In silico analysis predicts this variant is probably damaging to the protein structure/function. The R609C variant is a strong candidate for a pathogenic variant.